The following is an entry in ClinVar:

ClinVar aggregate classification (germline): Conflicting classifications of pathogenicity. Review status: criteria provided, conflicting classifications (1 of 4 stars). 3 submissions from 3 submitters: Uncertain significance (2); Likely benign (1). Last evaluated 2026-08-27.

Conditions:
Juvenile polyposis syndrome (JPS). Identifiers: Orphanet 2929, MedGen C0345893, MONDO:0017380, OMIM 174900.
Hereditary cancer-predisposing syndrome. Also called: Neoplastic Syndromes, Hereditary; Hereditary Cancer Syndrome; Tumor predisposition; Hereditary neoplastic syndrome. Identifiers: Orphanet 140162, MedGen C0027672, MeSH D009386, MONDO:0015356.

Allele frequency attached by ClinVar (database versions not stated): gnomAD exomes below 0.00001.
gnomAD v4.1: 1 of 1,613,908 alleles (0.000062%); highest among the groups gnomAD compares: Middle Eastern, 0.017%; no homozygotes.

Submissions (3):

Ambry Genetics
Classification: Likely benign for Hereditary cancer-predisposing syndrome. Last evaluated: 2026-08-27. Review status: criteria provided, single submitter. Criteria: Ambry Variant Classification Scheme 2023. Collection method: clinical testing. Allele origin: germline.

Labcorp Genetics (formerly Invitae), Labcorp
Classification: Uncertain significance for Juvenile polyposis syndrome. Last evaluated: 2026-01-20. Review status: criteria provided, single submitter. Criteria: Invitae Variant Classification Sherloc (09022015). Collection method: clinical testing. Allele origin: germline.
Comment: This sequence change replaces aspartic acid, which is acidic and polar, with glutamic acid, which is acidic and polar, at codon 40 of the BMPR1A protein (p.Asp40Glu). This variant is not present in population databases (gnomAD no frequency). This variant has not been reported in the literature in individuals affected with BMPR1A-related conditions. ClinVar contains an entry for this variant (Variation ID: 919477). Invitae Evidence Modeling of protein sequence and biophysical properties (such as structural, functional, and spatial information, amino acid conservation, physicochemical variation, residue mobility, and thermodynamic stability) indicates that this missense variant is not expected to disrupt BMPR1A protein function with a negative predictive value of 95%. In summary, the available evidence is currently insufficient to determine the role of this variant in disease. Therefore, it has been classified as a Variant of Uncertain Significance.

Color Diagnostics, LLC DBA Color Health
Classification: Uncertain significance for Hereditary cancer-predisposing syndrome. Last evaluated: 2023-12-04. Review status: criteria provided, single submitter. Criteria: ACMG Guidelines, 2015. Collection method: clinical testing. Allele origin: germline.
Comment: This missense variant replaces aspartic acid with glutamic acid at codon 40 of the BMPR1A protein. Computational prediction suggests that this variant may not impact protein structure and function (internally defined REVEL score threshold <= 0.5, PMID: 27666373). To our knowledge, functional studies have not been reported for this variant. This variant has not been reported in individuals affected with BMPR1A-related disorders in the literature. This variant has not been identified in the general population by the Genome Aggregation Database (gnomAD). The available evidence is insufficient to determine the role of this variant in disease conclusively. Therefore, this variant is classified as a Variant of Uncertain Significance.

NM_004329.3(BMPR1A):c.120C>A (p.Asp40Glu)

Gene: BMPR1A (bone morphogenetic protein receptor type 1A; plus strand). Cytogenetic location: 10q23.2.
Variant type: single nucleotide variant.
Coding change: c.120C>A on transcript NM_004329.3 (MANE Select); coding-DNA position 120, C replaced by A.
Protein change: p.Asp40Glu; replaces aspartic acid 40 with glutamic acid.
Molecular consequence: missense variant.
Genome position (GRCh38, 1-based): chr10:86,890,114, C>A. VCF-style: chr10-86890114-C-A. GRCh37 (hg19) VCF-style: chr10-88649871-C-A.
Other names: short protein forms D40E.
Identifiers: ClinVar variation 919477 (VCV000919477.8), dbSNP rs1843125913, ClinGen allele CA377446507.
Genomic context (GRCh38, chr10:86,890,114, plus strand): 5'-GAATGCAGGACAGAATCTGGATAGTATGCTTCATGGCACTGGGATGAAATCAGACTCCGA[C>A]CAGAAAAAGTCAGAAAATGGAGTAACCTTAGCACCAGAGGATACCTTGCCTTTTTTAAAG-3'
Protein context (NP_004320.2, residues 30-50): LHGTGMKSDS[Asp40Glu]QKKSENGVTL